The following is an entry in ClinVar:

ClinVar aggregate classification (germline): Benign (0 of 4 stars; one submission).

Conditions:
PTGIS-related disorder. Also called: PTGIS-related condition.

Allele frequency attached by ClinVar (database versions not stated): gnomAD exomes 0.00323; ExAC 0.00810; ESP Exome Variant Server 0.01169; gnomAD 0.01182; TOPMed 0.01230; 1000 Genomes Project 30x 0.02514; 1000 Genomes Project 0.02536.
gnomAD v4.1: 6,636 of 1,613,910 alleles (0.41%); highest among the groups gnomAD compares: African/African-American, 3.6%; 107 homozygotes.

Submission:

PreventionGenetics, part of Exact Sciences
Classification: Benign for PTGIS-related condition. Last evaluated: 2019-10-31. Review status: no assertion criteria provided. Collection method: clinical testing. Allele origin: germline.
Comment: This variant is classified as benign based on ACMG/AMP sequence variant interpretation guidelines (Richards et al. 2015 PMID: 25741868, with internal and published modifications).

NM_000961.4(PTGIS):c.591C>T (p.Arg197=)

Gene: PTGIS (prostaglandin I2 synthase; minus strand). Cytogenetic location: 20q13.13.
Variant type: single nucleotide variant.
Coding change: c.591C>T on transcript NM_000961.4 (MANE Select); coding-DNA position 591, C replaced by T.
Protein change: p.Arg197=; no amino-acid change (arginine 197 retained).
Molecular consequence: synonymous variant.
Genome position (GRCh38, 1-based): chr20:49,539,652, G>A on the plus strand (C>T on the coding strand, the complement: PTGIS is on the minus strand). VCF-style: chr20-49539652-G-A. GRCh37 (hg19) VCF-style: chr20-48156189-G-A.
Identifiers: ClinVar variation 3042079 (VCV003042079.2), dbSNP rs5625, ClinGen allele CA9903596.